The following is an entry in ClinVar:

NM_052947.4(ALPK2):c.65A>G (p.Lys22Arg)

Gene: ALPK2 (alpha kinase 2; minus strand). Cytogenetic location: 18q21.32.
Variant type: single nucleotide variant.
Coding change: c.65A>G on transcript NM_052947.4 (MANE Select); coding-DNA position 65, A replaced by G.
Protein change: p.Lys22Arg; replaces lysine 22 with arginine.
Molecular consequence: missense variant.
Genome position (GRCh38, 1-based): chr18:58,611,733, T>C on the plus strand (A>G on the coding strand, the complement: ALPK2 is on the minus strand). VCF-style: chr18-58611733-T-C. GRCh37 (hg19) VCF-style: chr18-56278965-T-C.
Other names: short protein forms K22R.
Identifiers: ClinVar variation 1754400 (VCV001754400.2), dbSNP rs2518915313, ClinGen allele CA402558027.

ClinVar aggregate classification (germline): Uncertain significance (1 of 4 stars; one submission).

Allele frequency attached by ClinVar (database versions not stated): gnomAD exomes below 0.00001.
gnomAD v4.1: 2 of 1,613,126 alleles (0.00012%); highest among the groups gnomAD compares: Non-Finnish European, 0.00017%; no homozygotes.

Submission:

Ambry Genetics
Classification: Uncertain significance. Last evaluated: 2022-06-22. Review status: criteria provided, single submitter. Criteria: Ambry Variant Classification Scheme 2023. Collection method: clinical testing. Allele origin: germline.
Comment: The p.K22R variant (also known as c.65A>G), located in coding exon 1 of the ALPK2 gene, results from an A to G substitution at nucleotide position 65. The lysine at codon 22 is replaced by arginine, an amino acid with highly similar properties. This amino acid position is conserved. In addition, this alteration is predicted to be tolerated by in silico analysis. Since supporting evidence is limited at this time, the clinical significance of this alteration remains unclear.